The following is an entry in ClinVar:

NM_002637.4(PHKA1):c.1042-2A>G

Gene: PHKA1 (phosphorylase kinase regulatory subunit alpha 1; minus strand). Cytogenetic location: Xq13.1.
Variant type: single nucleotide variant.
Coding change: c.1042-2A>G on transcript NM_002637.4 (MANE Select); the canonical splice acceptor site of the intron before coding-DNA position 1042, A replaced by G.
Molecular consequence: splice acceptor variant.
Genome position (GRCh38, 1-based): chrX:72,653,532, T>C on the plus strand (A>G on the coding strand, the complement: PHKA1 is on the minus strand). VCF-style: chrX-72653532-T-C. GRCh37 (hg19) VCF-style: chrX-71873382-T-C.
Other names: c.1042-2A>G (NM_001431068.1, NM_001172436.2, NM_001122670.2).
Identifiers: ClinVar variation 3649530 (VCV003649530.3).

ClinVar aggregate classification (germline): Likely pathogenic (1 of 4 stars; one submission).

Conditions:
Glycogen storage disease IXd (GSD9D). Also called: Muscle Phosphorylase Kinase Deficiency; GSD IXd. Identifiers: Orphanet 715, MedGen C1845151, MONDO:0010362, OMIM 300559.

Submissions (2):

Labcorp Genetics (formerly Invitae), Labcorp
Classification: Likely pathogenic for Glycogen storage disease IXd. Last evaluated: 2024-04-10. Review status: criteria provided, single submitter. Criteria: Invitae Variant Classification Sherloc (09022015). Collection method: clinical testing. Allele origin: germline.
Comment: This sequence change affects an acceptor splice site in intron 10 of the PHKA1 gene. It is expected to disrupt RNA splicing. Variants that disrupt the donor or acceptor splice site typically lead to a loss of protein function (PMID: 16199547), and loss-of-function variants in PHKA1 are known to be pathogenic (PMID: 9731190, 15637709). This variant is not present in population databases (gnomAD no frequency). This variant has not been reported in the literature in individuals affected with PHKA1-related conditions. Algorithms developed to predict the effect of sequence changes on RNA splicing suggest that this variant may disrupt the consensus splice site. In summary, the currently available evidence indicates that the variant is pathogenic, but additional data are needed to prove that conclusively. Therefore, this variant has been classified as Likely Pathogenic.

Dr. Peter K. Rogan Lab, Western University
No classification provided (evidence only). Condition: Nonpapillary renal cell carcinoma. Review status: no classification provided. Collection method: in vitro. Allele origin: not applicable. Functional consequence: retained intron. Not counted in ClinVar's aggregate classification.

Literature cited by the submitters: PubMed 16199547 (cited by Labcorp Genetics (formerly Invitae), Labcorp); PubMed 9731190 (cited by Labcorp Genetics (formerly Invitae), Labcorp); PubMed 15637709 (cited by Labcorp Genetics (formerly Invitae), Labcorp).